The following is an entry in ClinVar:

ClinVar aggregate classification (germline): Uncertain significance (1 of 4 stars; one submission).

Conditions:
Kabuki syndrome. Also called: NIIKAWA-KUROKI SYNDROME; Kabuki make-up syndrome. Identifiers: Orphanet 2322, MedGen C0796004, MONDO:0016512.

Submission:

Labcorp Genetics (formerly Invitae), Labcorp
Classification: Uncertain significance for Kabuki syndrome. Last evaluated: 2023-01-09. Review status: criteria provided, single submitter. Criteria: Invitae Variant Classification Sherloc (09022015). Collection method: clinical testing. Allele origin: germline.
Comment: In summary, the available evidence is currently insufficient to determine the role of this variant in disease. Therefore, it has been classified as a Variant of Uncertain Significance. This sequence change affects codon 4958 of the KMT2D mRNA. It is a 'silent' change, meaning that it does not change the encoded amino acid sequence of the KMT2D protein. This variant is not present in population databases (gnomAD no frequency). This variant has not been reported in the literature in individuals affected with KMT2D-related conditions. Algorithms developed to predict the effect of sequence changes on RNA splicing suggest that this variant may disrupt the consensus splice site.

NM_003482.4(KMT2D):c.14874A>G (p.Ser4958=)

Gene: KMT2D (lysine methyltransferase 2D; minus strand). Cytogenetic location: 12q13.12.
Variant type: single nucleotide variant.
Coding change: c.14874A>G on transcript NM_003482.4 (MANE Select); coding-DNA position 14874, A replaced by G.
Protein change: p.Ser4958=; no amino-acid change (serine 4958 retained).
Molecular consequence: synonymous variant.
Genome position (GRCh38, 1-based): chr12:49,027,092, T>C on the plus strand (A>G on the coding strand, the complement: KMT2D is on the minus strand). VCF-style: chr12-49027092-T-C. GRCh37 (hg19) VCF-style: chr12-49420875-T-C.
Identifiers: ClinVar variation 2827360 (VCV002827360.3), dbSNP rs2120367615, ClinGen allele CA479706750.